The following is an entry in ClinVar:

ClinVar aggregate classification (germline): Uncertain significance (1 of 4 stars; one submission).

Submission:

GeneDx
Classification: Uncertain significance. Last evaluated: 2026-01-22. Review status: criteria provided, single submitter. Criteria: GeneDx Variant Classification Process June 2021. Collection method: clinical testing. Allele origin: germline. Affected: yes.
Comment: Not observed at significant frequency in large population cohorts (gnomAD); Canonical splice site variant in a gene or region of a gene for which loss of function is not a well-established mechanism of disease; Has not been previously published as pathogenic or benign to our knowledge

NM_173500.4(TTBK2):c.1999-2_1999-1delinsTAGACCTTCTGTGGCATCTACACAGTC

Gene: TTBK2 (tau tubulin kinase 2; minus strand). Cytogenetic location: 15q15.2.
Variant type: Indel.
Coding change: c.1999-2_1999-1delinsTAGACCTTCTGTGGCATCTACACAGTC on transcript NM_173500.4 (MANE Select); the canonical splice acceptor site of the intron before coding-DNA position 1999, AG replaced by TAGACCTTCTGTGGCATCTACACAGTC.
Molecular consequence: splice acceptor variant.
Genome position (GRCh38, 1-based): chr15:42,753,248-42,753,249, CT replaced by GACTGTGTAGATGCCACAGAAGGTCTA on the plus strand (AG replaced by TAGACCTTCTGTGGCATCTACACAGTC on the coding strand, the reverse complement: TTBK2 is on the minus strand). VCF-style: chr15-42753248-CT-GACTGTGTAGATGCCACAGAAGGTCTA. GRCh37 (hg19) VCF-style: chr15-43045446-CT-GACTGTGTAGATGCCACAGAAGGTCTA.
Identifiers: ClinVar variation 2574735 (VCV002574735.2), dbSNP rs2506207279, ClinGen allele CA2580613801.